The following is an entry in ClinVar:

ClinVar aggregate classification (germline): Uncertain significance (1 of 4 stars; one submission).

Conditions:
Mitochondrial complex II deficiency, nuclear type 1. Also called: SUCCINATE CoQ REDUCTASE DEFICIENCY. Identifiers: Orphanet 3208, MedGen C5700310, MONDO:0100294, OMIM 252011.
Pheochromocytoma/paraganglioma syndrome 5. Also called: Paragangliomas 5; SDHA-Related Hereditary Paraganglioma-Pheochromocytoma Syndrome. Identifiers: Orphanet 29072, MedGen C3279992, MONDO:0013602, OMIM 614165.

Submission:

Labcorp Genetics (formerly Invitae), Labcorp
Classification: Uncertain significance for Pheochromocytoma/paraganglioma syndrome 5; Mitochondrial complex II deficiency, nuclear type 1. Last evaluated: 2023-07-12. Review status: criteria provided, single submitter. Criteria: Invitae Variant Classification Sherloc (09022015). Collection method: clinical testing. Allele origin: germline.
Comment: In summary, the available evidence is currently insufficient to determine the role of this variant in disease. Therefore, it has been classified as a Variant of Uncertain Significance. Advanced modeling of protein sequence and biophysical properties (such as structural, functional, and spatial information, amino acid conservation, physicochemical variation, residue mobility, and thermodynamic stability) has been performed at Invitae for this missense variant, however the output from this modeling did not meet the statistical confidence thresholds required to predict the impact of this variant on SDHA protein function. This variant has not been reported in the literature in individuals affected with SDHA-related conditions. This variant is not present in population databases (gnomAD no frequency). This sequence change replaces arginine, which is basic and polar, with proline, which is neutral and non-polar, at codon 75 of the SDHA protein (p.Arg75Pro).

NM_004168.4(SDHA):c.224G>C (p.Arg75Pro)

Gene: SDHA (succinate dehydrogenase complex flavoprotein subunit A; plus strand). Cytogenetic location: 5p15.33.
Variant type: single nucleotide variant.
Coding change: c.224G>C on transcript NM_004168.4 (MANE Select); coding-DNA position 224, G replaced by C.
Protein change: p.Arg75Pro; replaces arginine 75 with proline.
Molecular consequence: missense variant.
Genome position (GRCh38, 1-based): chr5:224,433, G>C. VCF-style: chr5-224433-G-C. GRCh37 (hg19) VCF-style: chr5-224548-G-C.
Other names: c.224G>C, p.Arg75Pro (NM_001294332.2, NM_001330758.2); short protein forms R75P.
Identifiers: ClinVar variation 2935462 (VCV002935462.3), dbSNP rs751645963, ClinGen allele CA359008518.
Genomic context (GRCh38, chr5:224,433, plus strand): 5'-ATCCAGTAGTGGATCATGAATTTGATGCAGTGGTGGTAGGCGCTGGAGGGGCAGGCTTGC[G>C]AGCTGCATTTGGCCTTTCTGAGGCAGGGTTTAATACAGCATGTGTTACCAAGCTGTTTCC-3'
Protein context (NP_004159.2, residues 65-85): VVVGAGGAGL[Arg75Pro]AAFGLSEAGF